The following is an entry in ClinVar:

ClinVar aggregate classification (germline): Uncertain significance (1 of 4 stars; one submission).

Submission:

GeneDx
Classification: Uncertain significance. Last evaluated: 2023-07-12. Review status: criteria provided, single submitter. Criteria: GeneDx Variant Classification Process June 2021. Collection method: clinical testing. Allele origin: germline. Affected: yes.
Comment: Has not been previously published as pathogenic or benign to our knowledge; Not observed at significant frequency in large population cohorts (gnomAD); In silico analysis supports that this missense variant has a deleterious effect on protein structure/function

NM_006514.4(SCN10A):c.293G>C (p.Gly98Ala)

Gene: SCN10A (sodium voltage-gated channel alpha subunit 10; minus strand). Cytogenetic location: 3p22.2.
Variant type: single nucleotide variant.
Coding change: c.293G>C on transcript NM_006514.4 (MANE Select); coding-DNA position 293, G replaced by C.
Protein change: p.Gly98Ala; replaces glycine 98 with alanine.
Molecular consequence: missense variant.
Genome position (GRCh38, 1-based): chr3:38,792,146, C>G on the plus strand (G>C on the coding strand, the complement: SCN10A is on the minus strand). VCF-style: chr3-38792146-C-G. GRCh37 (hg19) VCF-style: chr3-38833637-C-G.
Other names: c.293G>C, p.Gly98Ala (NM_001293306.2, NM_001293307.2); short protein forms G98A.
Identifiers: ClinVar variation 3361081 (VCV003361081.1).